The following is an entry in ClinVar:

NC_000014.8:g.(?_67567553)_(67589114_?)dup

Gene: GPHN (gephyrin; plus strand). Cytogenetic location: 14q23.3.
Variant type: Duplication.
Identifiers: ClinVar variation 1523112 (VCV001523112.4).

ClinVar aggregate classification (germline): Likely pathogenic (1 of 4 stars; one submission).

Conditions:
Sulfite oxidase deficiency due to molybdenum cofactor deficiency type C. Also called: Molybdenum cofactor deficiency, complementation group C; Molybdenum cofactor deficiency C. Identifiers: Orphanet 308400, Orphanet 833, MedGen C1854990, MONDO:0014212, OMIM 615501.

Submission:

Labcorp Genetics (formerly Invitae), Labcorp
Classification: Likely pathogenic for Sulfite oxidase deficiency due to molybdenum cofactor deficiency type C. Last evaluated: 2021-08-27. Review status: criteria provided, single submitter. Criteria: Invitae Variant Classification Sherloc (09022015). Collection method: clinical testing. Allele origin: germline.
Comment: In summary, the currently available evidence indicates that the variant is pathogenic, but additional data are needed to prove that conclusively. Therefore, this variant has been classified as Likely Pathogenic. This variant has not been reported in the literature in individuals affected with GPHN-related conditions. This variant results in a copy number gain of the genomic region encompassing exon(s) 13-17 of the GPHN gene. While the exact position of this variant cannot be determined from the data, sub-genic copy number gains are generally in tandem (PMID: 25640679). This variant is predicted to be out-of-frame, and may result in an absent or disrupted protein product. Loss-of-function variants in GPHN are known to be pathogenic (PMID: 11095995, 23184456, 23393157).

Literature cited by the submitters: PubMed 25640679; PubMed 11095995; PubMed 23184456; PubMed 23393157.